The following is an entry in ClinVar:

ClinVar aggregate classification (germline): Uncertain significance. Review status: criteria provided, multiple submitters, no conflicts (2 of 4 stars). 2 submissions from 2 submitters: Uncertain significance (2). Last evaluated 2023-01-20.

Conditions:
Left ventricular noncompaction 1 (LVNC1). Also called: LEFT VENTRICULAR NONCOMPACTION 1 WITH OR WITHOUT CONGENITAL HEART DEFECTS. Identifiers: Orphanet 54260, MedGen C1858725, MONDO:0011403, OMIM 604169.

gnomAD v4.1: 1 of 1,613,264 alleles (0.000062%); highest among the groups gnomAD compares: Non-Finnish European, 0.000085%; no homozygotes.

Submissions (2):

Labcorp Genetics (formerly Invitae), Labcorp
Classification: Uncertain significance for Left ventricular noncompaction 1. Last evaluated: 2023-01-20. Review status: criteria provided, single submitter. Criteria: Invitae Variant Classification Sherloc (09022015). Collection method: clinical testing. Allele origin: germline.
Comment: In summary, the available evidence is currently insufficient to determine the role of this variant in disease. Therefore, it has been classified as a Variant of Uncertain Significance. Advanced modeling of protein sequence and biophysical properties (such as structural, functional, and spatial information, amino acid conservation, physicochemical variation, residue mobility, and thermodynamic stability) performed at Invitae indicates that this missense variant is not expected to disrupt DTNA protein function. This variant has not been reported in the literature in individuals affected with DTNA-related conditions. This variant is not present in population databases (gnomAD no frequency). This sequence change replaces glutamic acid, which is acidic and polar, with aspartic acid, which is acidic and polar, at codon 3 of the DTNA protein (p.Glu3Asp).

Blueprint Genetics
Classification: Uncertain significance. Last evaluated: 2020-03-25. Review status: criteria provided, single submitter. Criteria: ACMG Guidelines, 2015. Collection method: clinical testing. Allele origin: germline.

NM_001386795.1(DTNA):c.9A>T (p.Glu3Asp)

Genes: DTNA (dystrobrevin alpha; plus strand), DTNA-AS1 (DTNA antisense RNA 1; minus strand). Cytogenetic location: 18q12.1.
Variant type: single nucleotide variant.
Coding change: c.9A>T on transcript NM_001386795.1 (MANE Select); coding-DNA position 9, A replaced by T.
Protein change: p.Glu3Asp; replaces glutamic acid 3 with aspartic acid.
Molecular consequence: missense variant.
Genome position (GRCh38, 1-based): chr18:34,755,985, A>T. VCF-style: chr18-34755985-A-T. GRCh37 (hg19) VCF-style: chr18-32335949-A-T.
Other names: c.9A>T, p.Glu3Asp (NM_001128175.2, NM_001198938.2, NM_001198939.2 and 35 more transcripts); short protein forms E3D.
Identifiers: ClinVar variation 2961789 (VCV002961789.4), dbSNP rs1377417445, ClinGen allele CA402274248.
Genomic context (GRCh38, chr18:34,755,985, plus strand): 5'-TTGCCTCAATAGCGTGAGGATAATACACATTGTAACTATTTTGTCTCATAGAATGATTGA[A>T]GATAGTGGGAAAAGAGGAAATACCATGGCAGAAAGAAGACAGCTGTTTGCAGAGATGAGT-3'
Protein context (NP_001373724.1, residues 1-13): MI[Glu3Asp]DSGKRGNTMA